The following is an entry in ClinVar:

NM_001148.6(ANK2):c.7943G>T (p.Gly2648Val)

Genes: ANK2 (ankyrin 2; plus strand), LOC126807137 (CDK7 strongly-dependent group 2 enhancer GRCh37_chr4:114276560-114277759; plus strand). Cytogenetic location: 4q26.
Variant type: single nucleotide variant.
Coding change: c.7943G>T on transcript NM_001148.6 (MANE Select); coding-DNA position 7943, G replaced by T.
Protein change: p.Gly2648Val; replaces glycine 2648 with valine.
Molecular consequence: missense variant. On other transcripts: intron variant (68).
Genome position (GRCh38, 1-based): chr4:113,356,561, G>T. VCF-style: chr4-113356561-G-T. GRCh37 (hg19) VCF-style: chr4-114277717-G-T.
Other names: c.7709G>T, p.Gly2570Val (NM_001386142.1); c.4343G>T, p.Gly1448Val (NM_001386166.1); c.8084G>T, p.Gly2695Val (NM_001386174.1); c.8060G>T, p.Gly2687Val (NM_001386175.1); c.4412-4262G>T (NM_001386186.2, NM_001386148.2); c.4214-4262G>T (NM_001354269.3); c.4292-4262G>T (NM_001386187.2); c.4253-4262G>T (NM_001386147.1); and 35 more; short protein forms G1448V, G2648V, G2570V, G2687V, G2695V.
Identifiers: ClinVar variation 4774040 (VCV004774040.1).

ClinVar aggregate classification (germline): Uncertain significance (1 of 4 stars; one submission).

Conditions:
Long QT syndrome (LQTS). Identifiers: MedGen C0023976, MeSH D008133, MONDO:0002442. Disease mechanism: loss of function. Inheritance: Various modes of inheritance.

Submission:

Labcorp Genetics (formerly Invitae), Labcorp
Classification: Uncertain significance for Long QT syndrome. Last evaluated: 2025-11-19. Review status: criteria provided, single submitter. Criteria: Invitae Variant Classification Sherloc (09022015). Collection method: clinical testing. Allele origin: germline.
Comment: This sequence change replaces glycine, which is neutral and non-polar, with valine, which is neutral and non-polar, at codon 2648 of the ANK2 protein (p.Gly2648Val). This variant is not present in population databases (gnomAD no frequency). This variant has not been reported in the literature in individuals affected with ANK2-related conditions. An algorithm developed to predict the effect of missense changes on protein structure and function (PolyPhen-2) suggests that this variant is likely to be tolerated. In summary, the available evidence is currently insufficient to determine the role of this variant in disease. Therefore, it has been classified as a Variant of Uncertain Significance.